The following is an entry in ClinVar:

ClinVar aggregate classification (germline): Pathogenic/Likely pathogenic. Review status: criteria provided, multiple submitters, no conflicts (2 of 4 stars). 9 submissions from 9 submitters: Pathogenic (3); Likely pathogenic (5). 1 of the submissions does not count toward it. Last evaluated 2025-08-26.

Conditions:
Polycystic kidney disease. Also called: Polycystic kidney dysplasia; Kidney, Polycystic. Identifiers: MedGen C0022680, MeSH D007690, MONDO:0020642, HP:0000113.
Polycystic kidney disease, adult type (PKD1). Also called: POLYCYSTIC KIDNEY DISEASE, ADULT, TYPE I; Polycystic Kidney, Autosomal Dominant; Polycystic Kidney Disease 1, Autosomal Dominant; Polycystic kidney disease 1; Polycystic kidney disease 1, severe; POLYCYSTIC KIDNEY DISEASE 1 WITH OR WITHOUT POLYCYSTIC LIVER DISEASE. Identifiers: MedGen C3149841, MONDO:0008263, OMIM 173900.
PKD1-related disorder. Also called: PKD1-related condition.

Submissions (9):

GeneDx
Classification: Likely pathogenic. Last evaluated: 2025-08-26. Review status: criteria provided, single submitter. Criteria: GeneDx Variant Classification Process June 2021. Collection method: clinical testing. Allele origin: germline.
Comment: Not observed at significant frequency in large population cohorts (gnomAD); In silico analysis suggests that this missense variant does not alter protein structure/function; This variant is associated with the following publications: (PMID: 26823553, 22383692, 29270497, 31740684, 30816285, 17582161, 35325889, 37372416)

Women's Health and Genetics/Laboratory Corporation of America, LabCorp
Classification: Pathogenic for Polycystic kidney disease, adult type. Last evaluated: 2025-07-29. Review status: criteria provided, single submitter. Criteria: LabCorp Variant Classification Summary - May 2015. Collection method: clinical testing. Allele origin: germline.
Comment: Variant summary: PKD1 c.1141G>A (p.Gly381Ser) results in a non-conservative amino acid change in the encoded protein sequence. Algorithms developed to predict the effect of missense changes on protein structure and function are either unavailable or do not agree on the potential impact of this missense change. The frequency data for this variant in gnomAD is considered unreliable, as metrics indicate poor data quality at this position. c.1141G>A has been observed in multiple individuals affected with Polycystic Kidney Disease 1 (examples, Bleyer_2022, Nigro_2023, Pandita_2019, Rossetti_2007). These data indicate that the variant is very likely to be associated with disease. To our knowledge, no experimental evidence demonstrating an impact on protein function has been reported. The following publications have been ascertained in the context of this evaluation (PMID: 35325889, 37372416, 30816285, 17582161). ClinVar contains an entry for this variant (Variation ID: 618805). Based on the evidence outlined above, the variant was classified as pathogenic.

PreventionGenetics, part of Exact Sciences
Classification: Pathogenic for PKD1-related condition. Last evaluated: 2024-11-25. Review status: criteria provided, single submitter. Criteria: ACMG Guidelines, 2015. Collection method: clinical testing. Allele origin: germline.
Comment: The PKD1 c.1141G>A variant is predicted to result in the amino acid substitution p.Gly381Ser. This variant has been reported in individuals with autosomal dominant polycystic kidney disease (ADPKD) (Rossetti et al. 2012. PubMed ID: 22383692; Table IB, Rossetti et al. 2007. PubMed ID: 17582161; Supplementary Table 2, Pandita et al. 2019. PubMed ID: 30816285; Table S3, Bleyer et al. 2022. PubMed ID: 35325889). At PreventionGenetics, we have found this variant in multiple unrelated individuals with ADPKD. Of note, different substitutions at the same codon were also reported in individuals with ADPKD (p.Gly381Cys in McCluskey et al. 2002. PubMed ID: 11857740; p.Gly381Val in Chang et al. 2013. PubMed ID: 23985799). The c.1141G>A (p.Gly381Ser) variant has not been reported in a large population database (gnomAD), indicating this variant is rare. In summary, this variant is interpreted as pathogenic.

Blueprint Genetics
Classification: Likely pathogenic for PKD1-related disorders. Last evaluated: 2024-05-10. Review status: criteria provided, single submitter. Criteria: ACMG Guidelines, 2015. Collection method: clinical testing. Allele origin: germline. Affected: yes. Observed: 5 variant alleles.

Fulgent Genetics
Classification: Pathogenic for Polycystic kidney disease, adult type. Last evaluated: 2024-01-30. Review status: criteria provided, single submitter. Criteria: ACMG Guidelines, 2015. Collection method: clinical testing. Allele origin: germline.

Mayo Clinic Laboratories, Mayo Clinic
Classification: Likely pathogenic. Last evaluated: 2023-12-14. Review status: criteria provided, single submitter. Criteria: ACMG Guidelines, 2015. Collection method: clinical testing. Allele origin: germline. Observed: 2 variant alleles.
Comment: BP4, PP1_strong, PP2, PS4_moderate

Athena Diagnostics
Classification: Likely pathogenic. Last evaluated: 2020-10-02. Review status: criteria provided, single submitter. Criteria: Athena Diagnostics criteria. Collection method: clinical testing. Allele origin: unknown.
Comment: This variant has not been reported in large, multi-ethnic general populations. This variant has been identified in multiple unrelated individuals with clinical features associated with this gene. Computational tools predict that this variant is damaging.

ARUP Laboratories, Molecular Genetics and Genomics, ARUP Laboratories
Classification: Likely pathogenic. Last evaluated: 2017-10-27. Review status: criteria provided, single submitter. Criteria: ARUP Molecular Germline Variant Investigation Process. Collection method: clinical testing. Allele origin: germline.

Department of Pathology and Laboratory Medicine, Sinai Health System
Classification: Likely pathogenic for Polycystic Kidney disease. Review status: no assertion criteria provided. Collection method: clinical testing. Allele origin: unknown. Affected: yes. Observed: 6 variant alleles. Study: The Canadian Open Genetics Repository (COGR). Not counted in ClinVar's aggregate classification.
Comment: The PKD1 p.Gly381Ser variant was identified in 3 of 404 proband chromosomes (frequency: 0.007) from individuals or families with ADPKD (Rossetti 2007). The p.Gly381Ser variant was also identified in the ADPKD Mutation Database (as Highly Likely Pathogenic). The variant was not identified in the following databases: dbSNP, NHLBI Exome Sequencing Project, the Exome Aggregation Consortium, Clinvitae, ClinVar, COGR, MutDB, PKD1-LOVD, or PKD1-LOVD 3.0. The p.Gly381 residue is conserved in mammals but not in more distantly related organisms and computational analyses (PolyPhen-2, SIFT, AlignGVGD, BLOSUM, MutationTaster) provide inconsistent predictions regarding the impact to the protein; this information is not very predictive of pathogenicity. The p.Gly381Ser variant occurs outside of the splicing consensus sequence and 2 of 5 in silico or computational prediction software programs (SpliceSiteFinder, MaxEntScan, NNSPLICE, GeneSplicer, HumanSpliceFinder) predict a greater than 10% difference in splicing; this is not very predictive of pathogenicity. Furthermore, this variant was identified in Comprehensive Molecular Diagnostics study and was classified as highly likely pathogenic by in silico analysis (Rossetti 2007). In summary, based on the above information, the clinical significance of this variant cannot be determined with certainty at this time although we would lean towards a more pathogenic role for this variant. This variant is classified as likely pathogenic.

Literature cited by the submitters: PubMed 17582161 (cited by 3 submitters); PubMed 35325889 (cited by Women's Health and Genetics/Laboratory Corporation of America, LabCorp); PubMed 37372416 (cited by Women's Health and Genetics/Laboratory Corporation of America, LabCorp); PubMed 30816285 (cited by Women's Health and Genetics/Laboratory Corporation of America, LabCorp and Mayo Clinic Laboratories, Mayo Clinic); PubMed 22383692 (cited by Mayo Clinic Laboratories, Mayo Clinic and Athena Diagnostics); PubMed 29270497 (cited by Athena Diagnostics); PubMed 31740684 (cited by Athena Diagnostics).

NM_001009944.3(PKD1):c.1141G>A (p.Gly381Ser)

Gene: PKD1 (polycystin 1, transient receptor potential channel interacting; minus strand). Cytogenetic location: 16p13.3.
Variant type: single nucleotide variant.
Coding change: c.1141G>A on transcript NM_001009944.3 (MANE Select); coding-DNA position 1141, G replaced by A.
Protein change: p.Gly381Ser; replaces glycine 381 with serine.
Molecular consequence: missense variant.
Genome position (GRCh38, 1-based): chr16:2,117,851, C>T on the plus strand (G>A on the coding strand, the complement: PKD1 is on the minus strand). VCF-style: chr16-2117851-C-T. GRCh37 (hg19) VCF-style: chr16-2167852-C-T.
Other names: c.1141G>A, p.Gly381Ser (NM_000296.4); short protein forms G381S.
Identifiers: ClinVar variation 618805 (VCV000618805.19), dbSNP rs1303102528, ClinGen allele CA394393121.